The following is an entry in ClinVar:

ClinVar aggregate classification (germline): Likely benign. Review status: criteria provided, multiple submitters, no conflicts (2 of 4 stars). 6 submissions from 6 submitters: Likely benign (6). Last evaluated 2025-12-01.

Conditions:
Inborn genetic diseases. Identifiers: MedGen C0950123, MeSH D030342.

Allele frequency attached by ClinVar (database versions not stated): gnomAD 0.00026 and 0.00024; gnomAD exomes 0.00004 and 0.00005; ExAC 0.00007; ESP Exome Variant Server 0.00008; TOPMed 0.00022.
gnomAD v4.1: 113 of 1,614,178 alleles (0.007%); highest among the groups gnomAD compares: African/African-American, 0.089%; no homozygotes.

Submissions (6):

CeGaT Center for Human Genetics Tuebingen
Classification: Likely benign. Last evaluated: 2025-12-01. Review status: criteria provided, single submitter. Criteria: CeGaT Center For Human Genetics Tuebingen Variant Classification Criteria Version 2. Collection method: clinical testing. Allele origin: germline. Affected: yes. Observed: 1 variant allele.
Comment: NDST1: BP4, BP7

Ambry Genetics
Classification: Likely benign for Inborn genetic diseases. Last evaluated: 2024-12-10. Review status: criteria provided, single submitter. Criteria: Ambry Variant Classification Scheme 2023. Collection method: clinical testing. Allele origin: germline.

Blueprint Genetics
Classification: Likely benign. Last evaluated: 2024-11-06. Review status: criteria provided, single submitter. Criteria: ACMG Guidelines, 2015. Collection method: clinical testing. Allele origin: germline.

Labcorp Genetics (formerly Invitae), Labcorp
Classification: Likely benign. Last evaluated: 2024-08-13. Review status: criteria provided, single submitter. Criteria: Invitae Variant Classification Sherloc (09022015). Collection method: clinical testing. Allele origin: germline.

Genetic Services Laboratory, University of Chicago
Classification: Likely benign. Last evaluated: 2016-06-02. Review status: criteria provided, single submitter. Criteria: ACMG Guidelines, 2015. Collection method: clinical testing. Allele origin: germline. Affected: no.

Breakthrough Genomics
Classification: Likely benign. Review status: criteria provided, single submitter. Criteria: ACMG Guidelines, 2015. Collection method: not provided. Allele origin: germline. Inheritance: Autosomal recessive inheritance. Affected: yes.

NM_001543.5(NDST1):c.1332C>T (p.Tyr444=)

Gene: NDST1 (N-deacetylase and N-sulfotransferase 1; plus strand). Cytogenetic location: 5q33.1.
Variant type: single nucleotide variant.
Coding change: c.1332C>T on transcript NM_001543.5 (MANE Select); coding-DNA position 1332, C replaced by T.
Protein change: p.Tyr444=; no amino-acid change (tyrosine 444 retained).
Molecular consequence: synonymous variant.
Genome position (GRCh38, 1-based): chr5:150,535,780, C>T. VCF-style: chr5-150535780-C-T. GRCh37 (hg19) VCF-style: chr5-149915342-C-T.
Other names: c.1332C>T, p.Tyr444= (NM_001301063.2).
Identifiers: ClinVar variation 435949 (VCV000435949.16), dbSNP rs369195455, ClinGen allele CA3512638.
Genomic context (GRCh38, chr5:150,535,780, plus strand): 5'-CATGGGGTATGCAGTGGCGCCCCACCACTCGGGCGTGTACCCCGTGCACGTGCAGCTGTA[C>T]GAGGCTTGGAAGCAGGTGTGGAGCATCCGCGTGACCAGCACGGAGGAGTACCCCCACCTG-3'
Protein context (NP_001534.1, residues 434-454): SGVYPVHVQL[Tyr444=]EAWKQVWSIR